The following is an entry in ClinVar:

NM_000500.9(CYP21A2):c.1066C>T (p.Leu356=)

Genes: CYP21A2 (cytochrome P450 family 21 subfamily A member 2; plus strand), LOC106780800 (CYP21A2 recombination region; plus strand). Cytogenetic location: 6p21.33.
Variant type: single nucleotide variant.
Coding change: c.1066C>T on transcript NM_000500.9 (MANE Select); coding-DNA position 1066, C replaced by T.
Protein change: p.Leu356=; no amino-acid change (leucine 356 retained).
Molecular consequence: synonymous variant.
Genome position (GRCh38, 1-based): chr6:32,040,532, C>T. VCF-style: chr6-32040532-C-T. GRCh37 (hg19) VCF-style: chr6-32008309-C-T.
Other names: c.976C>T, p.Leu326= (NM_001128590.4); c.661C>T, p.Leu221= (NM_001368143.2, NM_001368144.2).
Identifiers: ClinVar variation 988286 (VCV000988286.2), dbSNP rs1776234662, ClinGen allele CA449818813.

ClinVar aggregate classification (germline): Pathogenic/Likely pathogenic. Review status: criteria provided, multiple submitters, no conflicts (2 of 4 stars). 2 submissions from 2 submitters: Pathogenic (1); Likely pathogenic (1). Last evaluated 2024-12-10.

Conditions:
21-Hydroxylase-Deficient Congenital Adrenal Hyperplasia. Also called: ADRENAL HYPERPLASIA, CONGENITAL, DUE TO 21-HYDROXYLASE DEFICIENCY; ADRENAL HYPERPLASIA III. Identifiers: MedGen C2936858, OMIM 201910.

Submissions (2):

Genomic Medicine Center of Excellence, King Faisal Specialist Hospital and Research Centre
Classification: Likely pathogenic for 21-Hydroxylase-Deficient Congenital Adrenal Hyperplasia. Last evaluated: 2024-12-10. Review status: criteria provided, single submitter. Criteria: ACMG Guidelines, 2015. Collection method: clinical testing. Allele origin: germline.
Comment: PM2, PM3, BP7

Clinical Genetics and Genomics, Karolinska University Hospital
Classification: Pathogenic. Last evaluated: 2015-02-04. Review status: criteria provided, single submitter. Criteria: ACMG Guidelines, 2015. Collection method: clinical testing. Allele origin: germline. Affected: yes. Observed: 2 variant alleles.